The following is an entry in ClinVar:

ClinVar aggregate classification (germline): Likely benign. Review status: criteria provided, multiple submitters, no conflicts (2 of 4 stars). 4 submissions from 4 submitters: Likely benign (4). Last evaluated 2026-06-01.

Conditions:
Cardiovascular phenotype. Identifiers: MedGen CN230736.
Autosomal recessive limb-girdle muscular dystrophy type 2J (LGMDR10). Also called: MUSCULAR DYSTROPHY, LIMB-GIRDLE, AUTOSOMAL RECESSIVE 10; Limb-girdle muscular dystrophy, type 2J. Identifiers: Orphanet 140922, MedGen C1837342, MONDO:0012127, OMIM 608807.
Dilated cardiomyopathy 1G (CMD1G). Identifiers: Orphanet 154, MedGen C1858763, MONDO:0011400, OMIM 604145.

Allele frequency attached by ClinVar (database versions not stated): ExAC 0.00003; gnomAD exomes 0.00003 and 0.00004; gnomAD 0.00004; TOPMed 0.00005.
gnomAD v4.1: 56 of 1,613,730 alleles (0.0035%); highest among the groups gnomAD compares: South Asian, 0.0055%; no homozygotes.

Submissions (4):

CeGaT Center for Human Genetics Tuebingen
Classification: Likely benign. Last evaluated: 2026-06-01. Review status: criteria provided, single submitter. Criteria: CeGaT Center For Human Genetics Tuebingen Variant Classification Criteria Version 2. Collection method: clinical testing. Allele origin: germline. Affected: yes. Observed: 1 variant allele.
Comment: TTN: BP4, BP7

Labcorp Genetics (formerly Invitae), Labcorp
Classification: Likely benign for Dilated cardiomyopathy 1G; Autosomal recessive limb-girdle muscular dystrophy type 2J. Last evaluated: 2026-01-24. Review status: criteria provided, single submitter. Criteria: Invitae Variant Classification Sherloc (09022015). Collection method: clinical testing. Allele origin: germline.

Blueprint Genetics
Classification: Likely benign. Last evaluated: 2024-10-22. Review status: criteria provided, single submitter. Criteria: ACMG Guidelines, 2015. Collection method: clinical testing. Allele origin: germline.

Ambry Genetics
Classification: Likely benign for Cardiovascular phenotype. Last evaluated: 2019-01-17. Review status: criteria provided, single submitter. Criteria: Ambry Variant Classification Scheme 2023. Collection method: clinical testing. Allele origin: germline.

NM_001267550.2(TTN):c.11613C>T (p.Asp3871=)

Gene: TTN (titin; minus strand). Cytogenetic location: 2q31.2.
Variant type: single nucleotide variant.
Coding change: c.11613C>T on transcript NM_001267550.2 (MANE Select); coding-DNA position 11613, C replaced by T.
Protein change: p.Asp3871=; no amino-acid change (aspartic acid 3871 retained).
Molecular consequence: synonymous variant. On other transcripts: intron variant (1).
Genome position (GRCh38, 1-based): chr2:178,741,620, G>A on the plus strand (C>T on the coding strand, the complement: TTN is on the minus strand). VCF-style: chr2-178741620-G-A. GRCh37 (hg19) VCF-style: chr2-179606347-G-A.
Other names: c.10662C>T, p.Asp3554= (NM_001256850.1); c.10524C>T, p.Asp3508= (NM_003319.4); c.10899C>T, p.Asp3633= (NM_133432.3); c.11100C>T, p.Asp3700= (NM_133437.4); c.10361-3260C>T (NM_133378.4).
Identifiers: ClinVar variation 413112 (VCV000413112.17), dbSNP rs781329648, ClinGen allele CA2002829.